The following is an entry in ClinVar:

NM_002230.4(JUP):c.278T>G (p.Val93Gly)

Gene: JUP (junction plakoglobin; minus strand). Cytogenetic location: 17q21.2.
Variant type: single nucleotide variant.
Coding change: c.278T>G on transcript NM_002230.4 (MANE Select); coding-DNA position 278, T replaced by G.
Protein change: p.Val93Gly; replaces valine 93 with glycine.
Molecular consequence: missense variant.
Genome position (GRCh38, 1-based): chr17:41,769,608, A>C on the plus strand (T>G on the coding strand, the complement: JUP is on the minus strand). VCF-style: chr17-41769608-A-C. GRCh37 (hg19) VCF-style: chr17-39925860-A-C.
Other names: c.278T>G, p.Val93Gly (NM_001352773.2, NM_001352774.2, NM_001352775.2 and 3 more transcripts); short protein forms V93G.
Identifiers: ClinVar variation 1451046 (VCV001451046.6), dbSNP rs1916292032, ClinGen allele CA399505692.

ClinVar aggregate classification (germline): Uncertain significance (1 of 4 stars; one submission).

Conditions:
Naxos disease (NXD). Also called: PALMOPLANTAR KERATODERMA WITH ARRHYTHMOGENIC RIGHT VENTRICULAR CARDIOMYOPATHY AND WOOLLY HAIR; WOOLLY HAIR, PALMOPLANTAR KERATODERMA, AND CARDIAC ABNORMALITIES; KERATOSIS PALMOPLANTARIS WITH ARRHYTHMOGENIC CARDIOMYOPATHY; MAL DE NAXOS; CARDIOMYOPATHY, ARRHYTHMOGENIC RIGHT VENTRICULAR, WITH SKIN, HAIR, AND NAIL ABNORMALITIES. Identifiers: Orphanet 34217, MedGen C1832600, MONDO:0011017, OMIM 601214.
Arrhythmogenic right ventricular dysplasia 12. Also called: ARRHYTHMOGENIC RIGHT VENTRICULAR DYSPLASIA, FAMILIAL, 12. Identifiers: MedGen C1969081, MONDO:0012684, OMIM 611528.

Submission:

Labcorp Genetics (formerly Invitae), Labcorp
Classification: Uncertain significance for Arrhythmogenic right ventricular dysplasia 12; Naxos disease. Last evaluated: 2025-09-24. Review status: criteria provided, single submitter. Criteria: Invitae Variant Classification Sherloc (09022015). Collection method: clinical testing. Allele origin: germline.
Comment: This sequence change replaces valine, which is neutral and non-polar, with glycine, which is neutral and non-polar, at codon 93 of the JUP protein (p.Val93Gly). This variant is not present in population databases (gnomAD no frequency). This variant has not been reported in the literature in individuals affected with JUP-related conditions. ClinVar contains an entry for this variant (Variation ID: 1451046). An algorithm developed to predict the effect of missense changes on protein structure and function (PolyPhen-2) suggests that this variant is likely to be tolerated. In summary, the available evidence is currently insufficient to determine the role of this variant in disease. Therefore, it has been classified as a Variant of Uncertain Significance.